The following is an entry in ClinVar:

ClinVar aggregate classification (germline): Pathogenic/Likely pathogenic. Review status: criteria provided, multiple submitters, no conflicts (2 of 4 stars). 3 submissions from 3 submitters: Pathogenic (2); Likely pathogenic (1). Last evaluated 2024-06-19.

Conditions:
Hereditary nonpolyposis colon cancer (HNPCC). Also called: Hereditary nonpolyposis colorectal cancer; Familial nonpolyposis colon cancer; Hereditary Nonpolyposis Colorectal Cancer Syndrome. Identifiers: Orphanet 443909, MedGen C1333990, MONDO:0018630. Disease mechanism: loss of function.
Hereditary nonpolyposis colorectal neoplasms. Identifiers: MedGen C0009405, MeSH D003123.
Lynch syndrome 5 (LYNCH5). Also called: Colorectal cancer, hereditary nonpolyposis, type 5; Hereditary non-polyposis colorectal cancer, type 5. Identifiers: Orphanet 144, MedGen C1833477, MONDO:0013710, OMIM 614350. Disease mechanism: loss of function.

Submissions (3):

Labcorp Genetics (formerly Invitae), Labcorp
Classification: Pathogenic for Hereditary nonpolyposis colorectal neoplasms. Last evaluated: 2024-06-19. Review status: criteria provided, single submitter. Criteria: Invitae Variant Classification Sherloc (09022015). Collection method: clinical testing. Allele origin: germline.
Comment: This sequence change creates a premature translational stop signal (p.Glu980*) in the MSH6 gene. It is expected to result in an absent or disrupted protein product. Loss-of-function variants in MSH6 are known to be pathogenic (PMID: 18269114, 24362816). This variant is not present in population databases (gnomAD no frequency). This variant has not been reported in the literature in individuals affected with MSH6-related conditions. ClinVar contains an entry for this variant (Variation ID: 1301312). For these reasons, this variant has been classified as Pathogenic.

Myriad Genetics, Inc.
Classification: Pathogenic for Lynch syndrome 5. Last evaluated: 2023-08-21. Review status: criteria provided, single submitter. Criteria: Myriad Autosomal Dominant, Autosomal Recessive and X-Linked Classification Criteria (2023). Collection method: clinical testing. Allele origin: unknown.
Comment: This variant is considered pathogenic. This variant creates a termination codon and is predicted to result in premature protein truncation.

Women's Health and Genetics/Laboratory Corporation of America, LabCorp
Classification: Likely pathogenic for Hereditary nonpolyposis colon cancer. Last evaluated: 2021-09-02. Review status: criteria provided, single submitter. Criteria: LabCorp Variant Classification Summary - May 2015. Collection method: clinical testing. Allele origin: germline.
Comment: Variant summary: MSH6 c.2938G>T (p.Glu980X) results in a premature termination codon, predicted to cause a truncation of the encoded protein or absence of the protein due to nonsense mediated decay, which are commonly known mechanisms for disease. Truncations downstream of this position have been classified as pathogenic by our laboratory. The variant was absent in 222784 control chromosomes. To our knowledge, no occurrence of c.2938G>T in individuals affected with Lynch Syndrome and no experimental evidence demonstrating its impact on protein function have been reported. No clinical diagnostic laboratories have submitted clinical-significance assessments for this variant to ClinVar after 2014. Based on the evidence outlined above, the variant was classified as likely pathogenic.

Literature cited by the submitters: PubMed 18269114 (cited by Labcorp Genetics (formerly Invitae), Labcorp); PubMed 24362816 (cited by Labcorp Genetics (formerly Invitae), Labcorp).

NM_000179.3(MSH6):c.2938G>T (p.Glu980Ter)

Gene: MSH6 (mutS homolog 6; plus strand). Cytogenetic location: 2p16.3.
Variant type: single nucleotide variant.
Coding change: c.2938G>T on transcript NM_000179.3 (MANE Select); coding-DNA position 2938, G replaced by T.
Protein change: p.Glu980Ter; replaces glutamic acid 980 with a stop codon.
Molecular consequence: nonsense.
Genome position (GRCh38, 1-based): chr2:47,800,921, G>T. VCF-style: chr2-47800921-G-T. GRCh37 (hg19) VCF-style: chr2-48028060-G-T.
Other names: c.2548G>T, p.Glu850Ter (NM_001281492.2); c.2032G>T, p.Glu678Ter (NM_001281493.2, NM_001281494.2); short protein forms E678*, E850*, E980*.
Identifiers: ClinVar variation 1301312 (VCV001301312.4), dbSNP rs2104431856, ClinGen allele CA346756215.